The following is an entry in ClinVar:

ClinVar aggregate classification (germline): Pathogenic (1 of 4 stars; one submission).

Conditions:
Cystinuria (CSNU). Also called: CYSTINURIA, TYPE I; CYSTINURIA, TYPE II; CYSTINURIA, TYPE III; Cystinuria, non-type I. Identifiers: Orphanet 214, MedGen C0010691, MONDO:0009067, OMIM 220100, HP:0003131.

Submission:

Labcorp Genetics (formerly Invitae), Labcorp
Classification: Pathogenic for Cystinuria. Last evaluated: 2023-11-04. Review status: criteria provided, single submitter. Criteria: Invitae Variant Classification Sherloc (09022015). Collection method: clinical testing. Allele origin: unknown.
Comment: This variant is a gross deletion of the genomic region encompassing exon(s) 1 of the SLC3A1 gene, which includes the initiator codon. This deletion extends beyond the assayed region for this gene and therefore may encompass additional genes. It is expected to result in an absent or disrupted protein product. Loss-of-function variants in SLC3A1 are known to be pathogenic (PMID: 24610330, 25109415, 25964309). This variant has not been reported in the literature in individuals affected with SLC3A1-related conditions. For these reasons, this variant has been classified as Pathogenic.

Literature cited by the submitters: PubMed 24610330; PubMed 25109415; PubMed 25964309.

NC_000002.11:g.(?_44502646)_(44503124_?)del

Gene: SLC3A1 (solute carrier family 3 member 1; plus strand). Cytogenetic location: 2p21.
Variant type: Deletion.
Identifiers: ClinVar variation 3247120 (VCV003247120.1).